The following is an entry in ClinVar:

NM_014249.4(NR2E3):c.645C>A (p.Cys215Ter)

Gene: NR2E3 (nuclear receptor subfamily 2 group E member 3; plus strand). Cytogenetic location: 15q23.
Variant type: single nucleotide variant.
Coding change: c.645C>A on transcript NM_014249.4 (MANE Select); coding-DNA position 645, C replaced by A.
Protein change: p.Cys215Ter; replaces cysteine 215 with a stop codon.
Molecular consequence: nonsense.
Genome position (GRCh38, 1-based): chr15:71,812,409, C>A. VCF-style: chr15-71812409-C-A. GRCh37 (hg19) VCF-style: chr15-72104749-C-A.
Other names: c.645C>A, p.Cys215Ter (NM_016346.4); short protein forms C215*.
Identifiers: ClinVar variation 1452924 (VCV001452924.8), dbSNP rs375133059, ClinGen allele CA393035315.

ClinVar aggregate classification (germline): Pathogenic/Likely pathogenic. Review status: criteria provided, multiple submitters, no conflicts (2 of 4 stars). 3 submissions from 3 submitters: Pathogenic (1); Likely pathogenic (2). Last evaluated 2024-10-26.

Conditions:
Enhanced S-cone syndrome (ESCS). Identifiers: Orphanet 53540, MedGen C1849394, MONDO:0100288, MONDO:0009989.
NR2E3-related disorder. Also called: NR2E3-related disorders; NR2E3-related condition. Identifiers: MedGen CN239387.

gnomAD v4.1: 5 of 1,613,876 alleles (0.00031%); highest among the groups gnomAD compares: African/African-American, 0.004%; no homozygotes.

Submissions (3):

Labcorp Genetics (formerly Invitae), Labcorp
Classification: Pathogenic. Last evaluated: 2024-10-26. Review status: criteria provided, single submitter. Criteria: Invitae Variant Classification Sherloc (09022015). Collection method: clinical testing. Allele origin: germline.
Comment: This sequence change creates a premature translational stop signal (p.Cys215*) in the NR2E3 gene. It is expected to result in an absent or disrupted protein product. Loss-of-function variants in NR2E3 are known to be pathogenic (PMID: 15459973, 27522502). This variant is not present in population databases (gnomAD no frequency). This variant has not been reported in the literature in individuals affected with NR2E3-related conditions. ClinVar contains an entry for this variant (Variation ID: 1452924). Algorithms developed to predict the effect of sequence changes on RNA splicing suggest that this variant may create or strengthen a splice site. For these reasons, this variant has been classified as Pathogenic.

Blueprint Genetics
Classification: Likely pathogenic for NR2E3-related disorders. Last evaluated: 2024-04-08. Review status: criteria provided, single submitter. Criteria: ACMG Guidelines, 2015. Collection method: clinical testing. Allele origin: germline. Affected: yes. Observed: 2 variant alleles.

Baylor Genetics
Classification: Likely pathogenic for ENHANCED S-CONE SYNDROME 1. Last evaluated: 2023-10-05. Review status: criteria provided, single submitter. Criteria: ACMG Guidelines, 2015. Collection method: clinical testing. Allele origin: unknown.

Literature cited by the submitters: PubMed 15459973 (cited by Labcorp Genetics (formerly Invitae), Labcorp); PubMed 27522502 (cited by Labcorp Genetics (formerly Invitae), Labcorp).